The following is an entry in ClinVar:

NM_003482.4(KMT2D):c.5064G>A (p.Lys1688=)

Gene: KMT2D (lysine methyltransferase 2D; minus strand). Cytogenetic location: 12q13.12.
Variant type: single nucleotide variant.
Coding change: c.5064G>A on transcript NM_003482.4 (MANE Select); coding-DNA position 5064, G replaced by A.
Protein change: p.Lys1688=; no amino-acid change (lysine 1688 retained).
Molecular consequence: synonymous variant.
Genome position (GRCh38, 1-based): chr12:49,044,422, C>T on the plus strand (G>A on the coding strand, the complement: KMT2D is on the minus strand). VCF-style: chr12-49044422-C-T. GRCh37 (hg19) VCF-style: chr12-49438205-C-T.
Identifiers: ClinVar variation 3023870 (VCV003023870.5), dbSNP rs2120583331, ClinGen allele CA479713109.

ClinVar aggregate classification (germline): Likely benign. Review status: criteria provided, single submitter (1 of 4 stars). 2 submissions from 2 submitters: Likely benign (1). 1 of the submissions does not count toward it. Last evaluated 2024-10-30.

Conditions:
KMT2D-related disorder. Also called: KMT2D-Related Disorders.
Kabuki syndrome. Also called: Kabuki make-up syndrome; NIIKAWA-KUROKI SYNDROME. Identifiers: Orphanet 2322, MedGen C0796004, MONDO:0016512.

Submissions (2):

Labcorp Genetics (formerly Invitae), Labcorp
Classification: Likely benign for Kabuki syndrome. Last evaluated: 2024-10-30. Review status: criteria provided, single submitter. Criteria: Invitae Variant Classification Sherloc (09022015). Collection method: clinical testing. Allele origin: germline.

PreventionGenetics, part of Exact Sciences
Classification: Likely benign for KMT2D-related condition. Last evaluated: 2023-05-02. Review status: no assertion criteria provided. Collection method: clinical testing. Allele origin: germline. Not counted in ClinVar's aggregate classification.
Comment: This variant is classified as likely benign based on ACMG/AMP sequence variant interpretation guidelines (Richards et al. 2015 PMID: 25741868, with internal and published modifications).